The following is an entry in ClinVar:

ClinVar aggregate classification (germline): Conflicting classifications of pathogenicity. Review status: criteria provided, conflicting classifications (1 of 4 stars). 13 submissions from 13 submitters: Uncertain significance (4); Likely benign (8). 1 of the submissions does not count toward it. Last evaluated 2025-10-15.

Conditions:
Hereditary cancer-predisposing syndrome. Also called: Neoplastic Syndromes, Hereditary; Hereditary Cancer Syndrome; Tumor predisposition; Hereditary neoplastic syndrome. Identifiers: Orphanet 140162, MedGen C0027672, MeSH D009386, MONDO:0015356.
Hereditary breast ovarian cancer syndrome. Also called: Hereditary breast and ovarian cancer; Hereditary breast and ovarian cancer syndrome (HBOC); Breast and ovarian cancer; Hereditary breast and ovarian cancer syndrome; BRCA1- and BRCA2-Associated Hereditary Breast and Ovarian Cancer; Hereditary breast and/or ovarian cancer syndrome. Identifiers: Orphanet 145, MedGen C0677776, MeSH D061325, MONDO:0003582. Disease mechanism: loss of function.
Breast-ovarian cancer, familial, susceptibility to, 2 (BROVCA2). Also called: BRCA2 Hereditary Breast and Ovarian Cancer. Identifiers: Orphanet 145, MedGen C2675520, MONDO:0012933, OMIM 612555. Disease mechanism: loss of function.
Familial cancer of breast. Also called: BREAST CANCER, FAMILIAL; hereditary breast carcinoma; Hereditary breast cancer. Identifiers: Orphanet 227535, MedGen C0346153, MONDO:0016419, OMIM 114480. Disease mechanism: loss of function.

Allele frequency attached by ClinVar (database versions not stated): gnomAD exomes 0.00001.
gnomAD v4.1: 10 of 1,613,866 alleles (0.00062%); highest among the groups gnomAD compares: Non-Finnish European, 0.00085%; no homozygotes.

Submissions (13):

Praxis Für Humangenetik, Biosciencia MVZ Labor Saar
Classification: Likely benign for Breast-ovarian cancer, familial, susceptibility to, 2. Last evaluated: 2025-10-15. Review status: criteria provided, single submitter. Criteria: ACMG Guidelines, 2015. Collection method: clinical testing. Allele origin: germline. Affected: yes.
Comment: PM2, BP4, BS3, BP1

Labcorp Genetics (formerly Invitae), Labcorp
Classification: Likely benign for Hereditary breast ovarian cancer syndrome. Last evaluated: 2025-09-27. Review status: criteria provided, single submitter. Criteria: Invitae Variant Classification Sherloc (09022015). Collection method: clinical testing. Allele origin: germline.

Women's Health and Genetics/Laboratory Corporation of America, LabCorp
Classification: Likely benign. Last evaluated: 2025-05-15. Review status: criteria provided, single submitter. Criteria: LabCorp Variant Classification Summary - May 2015. Collection method: clinical testing. Allele origin: germline.
Comment: Variant summary: BRCA2 c.2779A>G (p.Met927Val) results in a conservative amino acid change in the encoded protein sequence. Algorithms developed to predict the effect of missense changes on protein structure and function all suggest that this variant is likely to be tolerated, consistent with its location in a coldspot region where missense variants are very unlikely to be pathogenic (PMID:31911673). The variant was absent in 250872 control chromosomes. The available data on variant occurrences in the general population are insufficient to allow any conclusion about variant significance. c.2779A>G has been reported in the literature as not co-segregating with disease in at-least one family affected with Hereditary Breast and Ovarian Cancer (HBOC) (example, Balia_2011) and in at-least two individuals from high risk families using an in-silico tool (Polyphen) as the basis of causality (Dobricic_2013). These report(s) do not provide unequivocal conclusions about association of the variant with Hereditary Breast And Ovarian Cancer Syndrome. At least one publication reports experimental evidence evaluating an impact on protein function (Balia_2011). These results showed no damaging effect of this variant on BRCA2 DNA repair activity in a yeast based experimental system. The following publications have been ascertained in the context of this evaluation (PMID: 21671020, 23635950, 24323938, 35472165, 23328489, 31911673, 31131967). ClinVar contains an entry for this variant (Variation ID: 184978). Based on the evidence outlined above, the variant was classified as likely benign.

MGZ Medical Genetics Center
Classification: Likely benign for Familial cancer of breast. Last evaluated: 2024-02-09. Review status: criteria provided, single submitter. Criteria: CSpec BRCA1/2ACMG Rules Specifications V1.1.0. Collection method: clinical testing. Allele origin: germline. Affected: yes.
Comment: ACMG codes applied following ENIGMA VCEP rules: BP1_STR, BP5_SUP, PM2_SUP

Quest Diagnostics Nichols Institute San Juan Capistrano
Classification: Uncertain significance. Last evaluated: 2023-11-28. Review status: criteria provided, single submitter. Criteria: Quest Diagnostics criteria. Collection method: clinical testing. Allele origin: unknown.
Comment: The BRCA2 c.2779A>G (p.Met927Val) variant has been reported in the published literature in individuals with breast and/or ovarian cancer (PMIDs: 37415649 (2023), 35402282 (2022), 21671020 (2011)), 23635950 (2013)), and childhood leukemia (PMID: 31721781 (2019)). Functional studies indicate this variant has neutral effects on BRCA2 protein function (24323938 (2014), 23328489 (2013), 21671020 (2011)). This variant has not been reported in large, multi-ethnic general populations (Genome Aggregation Database). Analysis of this variant using bioinformatics tools for the prediction of the effect of amino acid changes on protein structure and function yielded predictions that this variant is benign. Based on the available information, we are unable to determine the clinical significance of this variant.

Ambry Genetics
Classification: Uncertain significance for Hereditary cancer-predisposing syndrome. Last evaluated: 2023-10-25. Review status: criteria provided, single submitter. Criteria: Ambry Variant Classification Scheme 2023. Collection method: clinical testing. Allele origin: germline.
Comment: The p.M927V variant (also known as c.2779A>G), located in coding exon 10 of the BRCA2 gene, results from an A to G substitution at nucleotide position 2779. The methionine at codon 927 is replaced by valine, an amino acid with highly similar properties. Two functional studies have used homologous recombination (HR) based assays to show that this alteration increases the rate of HR comparable to wild-type BRCA2 and is therefore likely non-pathogenic (Balia C et al. Breast Cancer Res Treat. 2011 Oct;129(3):1001-9; Spugnesi L et al. Mutagenesis. 2013 Mar;28(2):187-95). Balia et al also noted that the tumor from the individual with this alteration did not show loss of heterozygosity, and while the data was not shown, the authors mentioned that this variant did not segregate with disease in the family. This alteration has also been reported in two individuals from the same Serbian family, both with breast cancer (Dobricic J et al. J Hum Genet. 2013 Aug;58(8):501-7). Of note, this alteration is also designated as 3007A>G in published literature. This amino acid position is not well conserved in available vertebrate species. In addition, this alteration is predicted to be tolerated by in silico analysis. Since supporting evidence is limited at this time, the clinical significance of this alteration remains unclear.

Myriad Genetics, Inc.
Classification: Likely benign for Breast-ovarian cancer, familial, susceptibility to, 2. Last evaluated: 2023-06-09. Review status: criteria provided, single submitter. Criteria: Myriad Autosomal Dominant, Autosomal Recessive and X-Linked Classification Criteria (2023). Collection method: clinical testing. Allele origin: unknown.
Comment: This variant is considered likely benign. This variant is strongly associated with less severe personal and family histories of cancer, typical for individuals without pathogenic variants in this gene [PMID: 25085752].

All of Us Research Program, National Institutes of Health
Classification: Uncertain significance for Breast-ovarian cancer, familial, susceptibility to, 2. Last evaluated: 2023-06-08. Review status: criteria provided, single submitter. Criteria: ACMG Guidelines, 2015. Collection method: clinical testing. Allele origin: germline. Inheritance: Autosomal dominant inheritance. Observed: 2 variant alleles, 2 heterozygotes.
Comment: This missense variant replaces methionine with valine at codon 927 of the BRCA2 protein. Computational prediction suggests that this variant may not impact protein structure and function (internally defined REVEL score threshold <= 0.5, PMID: 27666373). Functional studies using a homology-mediated DNA repair assay that examines low-frequency spontaneous repair events and a yeast DNA repair assay have both shown this variant protein to be repair proficient (PMID: 21671020, 23328489). This variant has been reported in families and individuals affected with breast/ovarian cancer (PMID: 21671020, 23635950, 35402282). This variant has been reported in a multifactorial analysis as likely benign based in part to segregation and family history likelihood ratios (PMID: 31131967). This variant has not been identified in the general population by the Genome Aggregation Database (gnomAD). The available evidence is insufficient to determine the role of this variant in disease conclusively. Therefore, this variant is classified as a Variant of Uncertain Significance.

This study involves interpretation of variants in research participants for the purpose of population health screening. Participant phenotype was not available at the time of variant classification. Additional details can be found in publication PMID: 35346344, PMCID: PMC8962531

Color Diagnostics, LLC DBA Color Health
Classification: Uncertain significance for Hereditary cancer-predisposing syndrome. Last evaluated: 2023-05-15. Review status: criteria provided, single submitter. Criteria: ACMG Guidelines, 2015. Collection method: clinical testing. Allele origin: germline.
Comment: This missense variant replaces methionine with valine at codon 927 of the BRCA2 protein. Computational prediction suggests that this variant may not impact protein structure and function (internally defined REVEL score threshold <= 0.5, PMID: 27666373). Functional studies using a homology-mediated DNA repair assay that examines low-frequency spontaneous repair events and a yeast DNA repair assay have both shown this variant protein to be repair proficient (PMID: 21671020, 23328489). This variant has been reported in families and individuals affected with breast/ovarian cancer (PMID: 21671020, 23635950, 35402282). This variant has been reported in a multifactorial analysis as likely benign based in part to segregation and family history likelihood ratios (PMID: 31131967). This variant has not been identified in the general population by the Genome Aggregation Database (gnomAD). The available evidence is insufficient to determine the role of this variant in disease conclusively. Therefore, this variant is classified as a Variant of Uncertain Significance.

University of Washington Department of Laboratory Medicine, University of Washington
Classification: Likely benign for Hereditary cancer-predisposing syndrome. Last evaluated: 2023-03-23. Review status: criteria provided, single submitter. Criteria: Dines et al. (Genet Med. 2020). Collection method: curation. Allele origin: germline.
Comment: Missense variant in a coldspot region where missense variants are very unlikely to be pathogenic (PMID:31911673).

BRCA2 exon 11 coldspot. Reclassification based on statistical prior probability.

Institute of Human Genetics, University of Leipzig Medical Center
Classification: Likely benign for Familial cancer of breast. Last evaluated: 2019-01-01. Review status: criteria provided, single submitter. Criteria: ACMG Guidelines, 2015. Collection method: clinical testing. Allele origin: unknown. Affected: yes.

GeneDx
Classification: Likely benign. Last evaluated: 2017-11-16. Review status: criteria provided, single submitter. Criteria: GeneDx Variant Classification (06012015). Collection method: clinical testing. Allele origin: germline. Affected: yes.
Comment: This variant is considered likely benign or benign based on one or more of the following criteria: it is a conservative change, it occurs at a poorly conserved position in the protein, it is predicted to be benign by multiple in silico algorithms, and/or has population frequency not consistent with disease.

Counsyl
Classification: Uncertain significance for Breast-ovarian cancer, familial, susceptibility to, 2. Last evaluated: 2018-02-28. Review status: no assertion criteria provided. Collection method: clinical testing. Allele origin: unknown. Not counted in ClinVar's aggregate classification.

Literature cited by the submitters: PubMed 21671020 (cited by 6 submitters); PubMed 24323938 (cited by 3 submitters); PubMed 23328489 (cited by 5 submitters); PubMed 23635950 (cited by 5 submitters); PubMed 31131967 (cited by 4 submitters); PubMed 31911673 (cited by Women's Health and Genetics/Laboratory Corporation of America, LabCorp and Quest Diagnostics Nichols Institute San Juan Capistrano); PubMed 35472165 (cited by Women's Health and Genetics/Laboratory Corporation of America, LabCorp and Quest Diagnostics Nichols Institute San Juan Capistrano); PubMed 37415649 (cited by Quest Diagnostics Nichols Institute San Juan Capistrano); PubMed 35402282 (cited by 3 submitters); PubMed 31721781 (cited by Quest Diagnostics Nichols Institute San Juan Capistrano); PubMed 25085752 (cited by Myriad Genetics, Inc.).

NM_000059.4(BRCA2):c.2779A>G (p.Met927Val)

Gene: BRCA2 (BRCA2 DNA repair associated; plus strand). Cytogenetic location: 13q13.1.
Variant type: single nucleotide variant.
Coding change: c.2779A>G on transcript NM_000059.4 (MANE Select); coding-DNA position 2779, A replaced by G.
Protein change: p.Met927Val; replaces methionine 927 with valine.
Molecular consequence: missense variant.
Genome position (GRCh38, 1-based): chr13:32,337,134, A>G. VCF-style: chr13-32337134-A-G. GRCh37 (hg19) VCF-style: chr13-32911271-A-G.
Other names: short protein forms M927V.
Identifiers: ClinVar variation 184978 (VCV000184978.69), dbSNP rs786201837, ClinGen allele CA016339.